The following is an entry in ClinVar:

ClinVar aggregate classification (germline): Pathogenic. Review status: criteria provided, single submitter (1 of 4 stars). 2 submissions from 2 submitters: Pathogenic (1). 1 of the submissions does not count toward it. Last evaluated 2023-03-17.

Conditions:
Juvenile nephropathic cystinosis. Also called: Intermediate Cystinosis; Later-Onset (Juvenile) Cystinosis; CYSTINOSIS, LATE-ONSET JUVENILE OR ADOLESCENT NEPHROPATHIC TYPE. Identifiers: Orphanet 213, Orphanet 411634, MedGen C0268626, MONDO:0009066, OMIM 219900.
Inborn genetic diseases. Identifiers: MedGen C0950123, MeSH D030342.
Ocular cystinosis. Also called: Non-Nephropathic Cystinosis; Non-Nephropathic (Ocular) Cystinosis. Identifiers: Orphanet 213, Orphanet 411641, MedGen C2931013, MONDO:0009064, OMIM 219750.
Nephropathic cystinosis (CTNS). Also called: CYSTINOSIN, DEFECT OF; LYSOSOMAL CYSTINE TRANSPORT PROTEIN, DEFECT OF; Abderhalden Lignac Kaufmann disease; Abderhalden-Kaufmann-Lignac syndrome. Identifiers: Orphanet 213, Orphanet 411629, MedGen C2931187, MONDO:0100151, OMIM 219800.

Submissions (2):

Labcorp Genetics (formerly Invitae), Labcorp
Classification: Pathogenic for Inborn genetic diseases; Ocular cystinosis; Juvenile nephropathic cystinosis. Last evaluated: 2023-03-17. Review status: criteria provided, single submitter. Criteria: Invitae Variant Classification Sherloc (09022015). Collection method: clinical testing. Allele origin: germline.
Comment: Advanced modeling of protein sequence and biophysical properties (such as structural, functional, and spatial information, amino acid conservation, physicochemical variation, residue mobility, and thermodynamic stability) performed at Invitae indicates that this missense variant is expected to disrupt CTNS protein function. ClinVar contains an entry for this variant (Variation ID: 558561). This missense change has been observed in individual(s) with cystinosis (PMID: 21786142, 30214781, 35571017). This variant is not present in population databases (gnomAD no frequency). This sequence change replaces tyrosine, which is neutral and polar, with cysteine, which is neutral and slightly polar, at codon 173 of the CTNS protein (p.Tyr173Cys). For these reasons, this variant has been classified as Pathogenic.

Counsyl
Classification: Uncertain significance for Nephropathic cystinosis. Last evaluated: 2018-06-01. Review status: no assertion criteria provided. Collection method: clinical testing. Allele origin: unknown. Not counted in ClinVar's aggregate classification.

Literature cited by the submitters: PubMed 21786142 (cited by Labcorp Genetics (formerly Invitae), Labcorp and Counsyl); PubMed 30214781 (cited by Labcorp Genetics (formerly Invitae), Labcorp); PubMed 35571017 (cited by Labcorp Genetics (formerly Invitae), Labcorp).

NM_004937.3(CTNS):c.518A>G (p.Tyr173Cys)

Genes: CTNS (cystinosin, lysosomal cystine transporter; plus strand), CTNS-AS1 (CTNS antisense RNA 1; minus strand). Cytogenetic location: 17p13.2.
Variant type: single nucleotide variant.
Coding change: c.518A>G on transcript NM_004937.3 (MANE Select); coding-DNA position 518, A replaced by G.
Protein change: p.Tyr173Cys; replaces tyrosine 173 with cysteine.
Molecular consequence: missense variant.
Genome position (GRCh38, 1-based): chr17:3,656,543, A>G. VCF-style: chr17-3656543-A-G. GRCh37 (hg19) VCF-style: chr17-3559837-A-G.
Other names: c.518A>G, p.Tyr173Cys (NM_001031681.3, NM_001374492.1); c.77A>G, p.Tyr26Cys (NM_001374493.1, NM_001374494.1, NM_001374495.1 and 1 more transcripts); short protein forms Y173C, Y26C.
Identifiers: ClinVar variation 558561 (VCV000558561.5), dbSNP rs1555563446, ClinGen allele CA397691331.